The following is an entry in ClinVar:

ClinVar aggregate classification (germline): Conflicting classifications of pathogenicity. Review status: criteria provided, conflicting classifications (1 of 4 stars). 3 submissions from 3 submitters: Uncertain significance (2); Likely benign (1). Last evaluated 2026-09-01.

Conditions:
Nemaline myopathy 2 (NEM2). Also called: Nemaline myopathy 2, autosomal recessive. Identifiers: MedGen C1850569, MONDO:0009725, OMIM 256030.

Allele frequency attached by ClinVar (database versions not stated): ExAC 0.00002; gnomAD 0.00002; gnomAD exomes 0.00002; TOPMed 0.00003; ESP Exome Variant Server 0.00008.
gnomAD v4.1: 27 of 1,601,724 alleles (0.0017%); highest among the groups gnomAD compares: Non-Finnish European, 0.002%; no homozygotes.

Submissions (3):

CeGaT Center for Human Genetics Tuebingen
Classification: Uncertain significance. Last evaluated: 2026-09-01. Review status: criteria provided, single submitter. Criteria: CeGaT Center For Human Genetics Tuebingen Variant Classification Criteria Version 2. Collection method: clinical testing. Allele origin: germline. Affected: yes. Observed: 1 variant allele.
Comment: NEB: PM2

Labcorp Genetics (formerly Invitae), Labcorp
Classification: Likely benign for Nemaline myopathy 2. Last evaluated: 2025-08-29. Review status: criteria provided, single submitter. Criteria: Invitae Variant Classification Sherloc (09022015). Collection method: clinical testing. Allele origin: germline.

Revvity Omics, Revvity
Classification: Uncertain significance. Last evaluated: 2024-04-30. Review status: criteria provided, single submitter. Criteria: ACMG Guidelines, 2015. Collection method: clinical testing. Allele origin: germline.

NM_001164508.2(NEB):c.6754C>T (p.Pro2252Ser)

Gene: NEB (nebulin; minus strand). Cytogenetic location: 2q23.3.
Variant type: single nucleotide variant.
Coding change: c.6754C>T on transcript NM_001164508.2 (MANE Select); coding-DNA position 6754, C replaced by T.
Protein change: p.Pro2252Ser; replaces proline 2252 with serine.
Molecular consequence: missense variant.
Genome position (GRCh38, 1-based): chr2:151,655,323, G>A on the plus strand (C>T on the coding strand, the complement: NEB is on the minus strand). VCF-style: chr2-151655323-G-A. GRCh37 (hg19) VCF-style: chr2-152511837-G-A.
Other names: c.6754C>T, p.Pro2252Ser (NM_001164507.2, NM_001271208.2, NM_004543.5); short protein forms P2252S.
Identifiers: ClinVar variation 2200883 (VCV002200883.8), dbSNP rs368180456, ClinGen allele CA1910013.